The following is an entry in ClinVar:

ClinVar aggregate classification (germline): Pathogenic/Likely pathogenic. Review status: criteria provided, multiple submitters, no conflicts (2 of 4 stars). 2 submissions from 2 submitters: Pathogenic (1); Likely pathogenic (1). Last evaluated 2025-12-30.

Conditions:
Rare genetic deafness. Identifiers: Orphanet 96210, MedGen C5680250.

Submissions (2):

GeneDx
Classification: Pathogenic. Last evaluated: 2025-12-30. Review status: criteria provided, single submitter. Criteria: GeneDx Variant Classification Process June 2021. Collection method: clinical testing. Allele origin: germline. Affected: yes.
Comment: Frameshift variant predicted to result in protein truncation or nonsense mediated decay in a gene for which loss of function is a known mechanism of disease; Has not been previously published as pathogenic or benign to our knowledge; Not observed at significant frequency in large population cohorts (gnomAD)

Laboratory for Molecular Medicine, Mass General Brigham Personalized Medicine
Classification: Likely pathogenic for Rare genetic deafness. Last evaluated: 2018-08-22. Review status: criteria provided, single submitter. Criteria: LMM Criteria. Collection method: clinical testing. Allele origin: germline. Inheritance: Autosomal recessive inheritance. Observed: 1 variant allele.
Comment: The p.Gln1988ProfsX13 in OTOG has not been previously reported in individuals wi th hearing loss. It was absent from large population studies, though the quality of variant calls at this position is uncertain. This variant is predicted to ca use a frameshift, which alters the protein?s amino acid sequence beginning at po sition 1988 and leads to a premature termination codon 13 amino acids downstream . This alteration is then predicted to lead to a truncated or absent protein. Lo ss of function of the OTOG gene is an established disease mechanism in hearing l oss. In summary, although additional studies are required to fully establish its clinical significance, this variant is likely pathogenic. ACMG/AMP Criteria app lied: PVS1, PM2.

NM_001292063.2(OTOG):c.5926dup (p.Gln1976fs)

Gene: OTOG (otogelin; plus strand). Cytogenetic location: 11p15.1.
Variant type: Duplication.
Coding change: c.5926dup on transcript NM_001292063.2 (MANE Select); coding-DNA position 5926, one base duplicated (C; older notation c.5926dupC).
Protein change: p.Gln1976fs; shifts the reading frame from glutamine 1976.
Molecular consequence: frameshift variant.
Genome position (GRCh38, 1-based): chr11:17,611,226, C duplicated; the last of 6 consecutive C bases (chr11:17,611,221-17,611,226); duplicating any one gives the same sequence. VCF-style (leftmost placement, unchanged base first): chr11-17611220-G-GC. GRCh37 (hg19) VCF-style: chr11-17632767-G-GC.
Other names: c.5962dupC (NM_001277269.1); c.5962dup, p.Gln1988fs (NM_001277269.2); c.5962dup (NM_001277269.1); short protein forms Q1988fs, Q1976fs.
Identifiers: ClinVar variation 666980 (VCV000666980.7), dbSNP rs34547529, ClinGen allele CA218477176.
Genomic context (GRCh38, chr11:17,611,220, plus strand): 5'-GCAGGCACAGCTCTGCCAGTGCCCACATCCTATGCCCTGAGCCGTGTCTCAGCCAGGACG[G>GC]CCCCCCAAGACAGCATGCTGGTTCTGTTGCCTCAGCTGGCTGAGGCCCATGGAACCTCGG-3'